The following is an entry in ClinVar:

ClinVar aggregate classification (germline): Uncertain significance. Review status: criteria provided, multiple submitters, no conflicts (2 of 4 stars). 2 submissions from 2 submitters: Uncertain significance (2). Last evaluated 2025-05-05.

Conditions:
Loeys-Dietz syndrome 2 (LDS2). Also called: Marfan syndrome, type 2 (formerly); AORTIC ANEURYSM, FAMILIAL THORACIC 3; MARFAN SYNDROME, TYPE II; TGFBR2-Related Loeys-Dietz Syndrome; Marfan Syndrome type 2; Marfan like connective tissue disorder. Identifiers: Orphanet 284973, Orphanet 558, MedGen C2674574, MONDO:0012427, OMIM 610168.

Allele frequency attached by ClinVar (database versions not stated): gnomAD exomes 0.00001 and 0.00002; gnomAD 0.00002; TOPMed 0.00002.
gnomAD v4.1: 15 of 1,610,260 alleles (0.00093%); highest among the groups gnomAD compares: East Asian, 0.0022%; no homozygotes.

Submissions (2):

Ambry Genetics
Classification: Uncertain significance. Last evaluated: 2025-05-05. Review status: criteria provided, single submitter. Criteria: Ambry Variant Classification Scheme 2023. Collection method: clinical testing. Allele origin: germline.
Comment: The p.Y573C variant (also known as c.1718A>G), located in coding exon 4 of the TMPO gene, results from an A to G substitution at nucleotide position 1718. The tyrosine at codon 573 is replaced by cysteine, an amino acid with highly dissimilar properties. This amino acid position is conserved. In addition, the in silico prediction for this alteration is inconclusive. Since supporting evidence is limited at this time, the clinical significance of this alteration remains unclear.

Labcorp Genetics (formerly Invitae), Labcorp
Classification: Uncertain significance for Loeys-Dietz syndrome 2. Last evaluated: 2021-12-15. Review status: criteria provided, single submitter. Criteria: Invitae Variant Classification Sherloc (09022015). Collection method: clinical testing. Allele origin: germline.
Comment: In summary, the available evidence is currently insufficient to determine the role of this variant in disease. Therefore, it has been classified as a Variant of Uncertain Significance. Algorithms developed to predict the effect of missense changes on protein structure and function (SIFT, PolyPhen-2, Align-GVGD) all suggest that this variant is likely to be disruptive. This variant has not been reported in the literature in individuals affected with TMPO-related conditions. This variant is present in population databases (no rsID available, gnomAD 0.02%). This sequence change replaces tyrosine, which is neutral and polar, with cysteine, which is neutral and slightly polar, at codon 573 of the TMPO protein (p.Tyr573Cys).

NM_001032283.3(TMPO):c.565+2137A>G

Gene: TMPO (thymopoietin; plus strand). Cytogenetic location: 12q23.1.
Variant type: single nucleotide variant.
Coding change: c.565+2137A>G on transcript NM_001032283.3 (MANE Select); 2137 bases into the intron after coding-DNA position 565, A replaced by G.
Molecular consequence: intron variant. On other transcripts: missense variant (1).
Genome position (GRCh38, 1-based): chr12:98,533,975, A>G. VCF-style: chr12-98533975-A-G. GRCh37 (hg19) VCF-style: chr12-98927753-A-G.
Other names: c.1718A>G, p.Tyr573Cys (NM_003276.2); c.565+2137A>G (NM_001307975.2, NM_001032284.3); short protein forms Y573C.
Identifiers: ClinVar variation 1433896 (VCV001433896.9), dbSNP rs886049913, ClinGen allele CA10638841.
Genomic context (GRCh38, chr12:98,533,975, plus strand): 5'-TTCAAGCAGCCTCCACTGAGTCTTGCAATCAGCAGTTGGACTTAGCACTCTGTAGAGCAT[A>G]TGAAGCTGCAGCATCAGCATTGCAGATTGCAACTCACACTGCCTTTGTAGCTAAGGCTAT-3'